The following is an entry in ClinVar:

NM_005592.4(MUSK):c.233G>A (p.Arg78Gln)

Gene: MUSK (muscle associated receptor tyrosine kinase; plus strand). Cytogenetic location: 9q31.3.
Variant type: single nucleotide variant.
Coding change: c.233G>A on transcript NM_005592.4 (MANE Select); coding-DNA position 233, G replaced by A.
Protein change: p.Arg78Gln; replaces arginine 78 with glutamine.
Molecular consequence: missense variant.
Genome position (GRCh38, 1-based): chr9:110,687,143, G>A. VCF-style: chr9-110687143-G-A. GRCh37 (hg19) VCF-style: chr9-113449423-G-A.
Other names: c.233G>A, p.Arg78Gln (NM_001166280.2, NM_001166281.2); short protein forms R78Q.
Identifiers: ClinVar variation 364599 (VCV000364599.16), dbSNP rs776815006, ClinGen allele CA5183971.

ClinVar aggregate classification (germline): Uncertain significance. Review status: criteria provided, multiple submitters, no conflicts (2 of 4 stars). 4 submissions from 4 submitters: Uncertain significance (4). Last evaluated 2025-09-16.

Conditions:
Inborn genetic diseases. Identifiers: MedGen C0950123, MeSH D030342.
Fetal akinesia deformation sequence 1 (FADS1). Also called: Fetal akinesia sequence; Pena-Shokeir syndrome type I. Identifiers: Orphanet 994, MedGen C1276035, MONDO:0100101, OMIM 208150, HP:0001989.
Congenital myasthenic syndrome 9. Also called: Myasthenic syndrome, congenital, 9, associated with acetylcholine receptor deficiency. Identifiers: Orphanet 590, MedGen C4225368, MONDO:0014587, OMIM 616325.

Allele frequency attached by ClinVar (database versions not stated): TOPMed 0.00001; gnomAD 0.00001; ExAC 0.00002; gnomAD exomes 0.00003 and 0.00002.
gnomAD v4.1: 43 of 1,613,392 alleles (0.0027%); highest among the groups gnomAD compares: South Asian, 0.012%; no homozygotes.

Submissions (4):

Ambry Genetics
Classification: Uncertain significance for Inborn genetic diseases. Last evaluated: 2025-09-16. Review status: criteria provided, single submitter. Criteria: Ambry Variant Classification Scheme 2023. Collection method: clinical testing. Allele origin: germline.

Labcorp Genetics (formerly Invitae), Labcorp
Classification: Uncertain significance for Congenital myasthenic syndrome 9; Fetal akinesia deformation sequence 1. Last evaluated: 2022-07-19. Review status: criteria provided, single submitter. Criteria: Invitae Variant Classification Sherloc (09022015). Collection method: clinical testing. Allele origin: germline.
Comment: This sequence change replaces arginine, which is basic and polar, with glutamine, which is neutral and polar, at codon 78 of the MUSK protein (p.Arg78Gln). This variant is present in population databases (rs776815006, gnomAD 0.01%). This variant has not been reported in the literature in individuals affected with MUSK-related conditions. ClinVar contains an entry for this variant (Variation ID: 364599). Advanced modeling of protein sequence and biophysical properties (such as structural, functional, and spatial information, amino acid conservation, physicochemical variation, residue mobility, and thermodynamic stability) performed at Invitae indicates that this missense variant is not expected to disrupt MUSK protein function. In summary, the available evidence is currently insufficient to determine the role of this variant in disease. Therefore, it has been classified as a Variant of Uncertain Significance.

Revvity Omics, Revvity
Classification: Uncertain significance. Last evaluated: 2019-08-17. Review status: criteria provided, single submitter. Criteria: ACMG Guidelines, 2015. Collection method: clinical testing. Allele origin: germline.

Illumina Laboratory Services, Illumina
Classification: Uncertain significance for Congenital myasthenic syndrome 9. Last evaluated: 2018-01-12. Review status: criteria provided, single submitter. Criteria: ICSL Variant Classification Criteria 13 December 2019. Collection method: clinical testing. Allele origin: germline.